The following is an entry in ClinVar:

ClinVar aggregate classification (germline): Uncertain significance (1 of 4 stars; one submission).

Submission:

GeneDx
Classification: Uncertain significance. Last evaluated: 2024-02-01. Review status: criteria provided, single submitter. Criteria: GeneDx Variant Classification Process June 2021. Collection method: clinical testing. Allele origin: germline. Affected: yes.
Comment: Not observed at significant frequency in large population cohorts (gnomAD); In silico analysis supports that this missense variant does not alter protein structure/function; Has not been previously published as pathogenic or benign to our knowledge

NM_003076.5(SMARCD1):c.477G>T (p.Gln159His)

Gene: SMARCD1 (SWI/SNF related BAF chromatin remodeling complex subunit D1; plus strand). Cytogenetic location: 12q13.12.
Variant type: single nucleotide variant.
Coding change: c.477G>T on transcript NM_003076.5 (MANE Select); coding-DNA position 477, G replaced by T.
Protein change: p.Gln159His; replaces glutamine 159 with histidine.
Molecular consequence: missense variant.
Genome position (GRCh38, 1-based): chr12:50,086,824, G>T. VCF-style: chr12-50086824-G-T. GRCh37 (hg19) VCF-style: chr12-50480607-G-T.
Other names: c.477G>T, p.Gln159His (NM_139071.3); short protein forms Q159H.
Identifiers: ClinVar variation 3368493 (VCV003368493.1).